The following is an entry in ClinVar:

ClinVar aggregate classification (germline): Conflicting classifications of pathogenicity. Review status: criteria provided, conflicting classifications (1 of 4 stars). 2 submissions from 2 submitters: Likely pathogenic (1); Uncertain significance (1). Last evaluated 2023-06-14.

Conditions:
MFRP-related disorder. Also called: MFRP-related condition; MFRP-related disorders.
Isolated microphthalmia 5. Also called: Posterior Microphthalmia with Retinitis Pigmentosa, Foveoschisis, and Optic Disc Drusen. Identifiers: Orphanet 251279, MedGen C1970236, MONDO:0012605, OMIM 611040.

Allele frequency attached by ClinVar (database versions not stated): TOPMed 0.00003.
gnomAD v4.1: 26 of 1,613,806 alleles (0.0016%); highest among the groups gnomAD compares: Middle Eastern, 0.033%; no homozygotes.

Submissions (2):

Blueprint Genetics
Classification: Likely pathogenic for MFRP-related disorders. Last evaluated: 2023-06-14. Review status: criteria provided, single submitter. Criteria: ACMG Guidelines, 2015. Collection method: clinical testing. Allele origin: germline. Affected: yes. Observed: 5 variant alleles.

Labcorp Genetics (formerly Invitae), Labcorp
Classification: Uncertain significance for Isolated microphthalmia 5. Last evaluated: 2022-07-30. Review status: criteria provided, single submitter. Criteria: Invitae Variant Classification Sherloc (09022015). Collection method: clinical testing. Allele origin: germline.
Comment: This sequence change replaces proline, which is neutral and non-polar, with histidine, which is basic and polar, at codon 166 of the MFRP protein (p.Pro166His). This variant is present in population databases (rs200251814, gnomAD 0.006%). This variant has not been reported in the literature in individuals affected with MFRP-related conditions. ClinVar contains an entry for this variant (Variation ID: 1025500). Algorithms developed to predict the effect of missense changes on protein structure and function are either unavailable or do not agree on the potential impact of this missense change (SIFT: "Deleterious"; PolyPhen-2: "Probably Damaging"; Align-GVGD: "Class C0"). In summary, the available evidence is currently insufficient to determine the role of this variant in disease. Therefore, it has been classified as a Variant of Uncertain Significance.

NM_031433.4(MFRP):c.497C>A (p.Pro166His)

Genes: C1QTNF5 (C1q and TNF related 5; minus strand), MFRP (membrane frizzled-related protein; minus strand). Cytogenetic location: 11q23.3.
Variant type: single nucleotide variant.
Coding change: c.497C>A on transcript NM_031433.4 (MANE Select); coding-DNA position 497, C replaced by A.
Protein change: p.Pro166His; replaces proline 166 with histidine.
Molecular consequence: missense variant. On other transcripts: 5 prime UTR variant (1).
Genome position (GRCh38, 1-based): chr11:119,345,564, G>T on the plus strand (C>A on the coding strand, the complement: MFRP is on the minus strand). VCF-style: chr11-119345564-G-T. GRCh37 (hg19) VCF-style: chr11-119216274-G-T.
Other names: c.-2140C>A (NM_015645.5); short protein forms P166H.
Identifiers: ClinVar variation 1025500 (VCV001025500.8), dbSNP rs200251814, ClinGen allele CA6320527.